The following is an entry in ClinVar:

ClinVar aggregate classification (germline): Uncertain significance. Review status: criteria provided, multiple submitters, no conflicts (2 of 4 stars). 3 submissions from 3 submitters: Uncertain significance (3). Last evaluated 2022-08-20.

Conditions:
Spastic paraplegia. Identifiers: MedGen C0037772, HP:0001258.

Allele frequency attached by ClinVar (database versions not stated): ESP Exome Variant Server 0.00008; TOPMed 0.00008; 1000 Genomes Project 30x 0.00031; 1000 Genomes Project 0.00040.
gnomAD v4.1: 66 of 1,613,896 alleles (0.0041%); highest among the groups gnomAD compares: East Asian, 0.033%; 1 homozygote.

Submissions (3):

Labcorp Genetics (formerly Invitae), Labcorp
Classification: Uncertain significance for Spastic paraplegia. Last evaluated: 2022-08-20. Review status: criteria provided, single submitter. Criteria: Invitae Variant Classification Sherloc (09022015). Collection method: clinical testing. Allele origin: germline.
Comment: This sequence change replaces arginine, which is basic and polar, with histidine, which is basic and polar, at codon 148 of the ZFYVE26 protein (p.Arg148His). This variant is present in population databases (rs144919978, gnomAD 0.07%). This variant has not been reported in the literature in individuals affected with ZFYVE26-related conditions. ClinVar contains an entry for this variant (Variation ID: 448891). Algorithms developed to predict the effect of missense changes on protein structure and function output the following: SIFT: "Deleterious"; PolyPhen-2: "Benign"; Align-GVGD: "Class C0". The histidine amino acid residue is found in multiple mammalian species, which suggests that this missense change does not adversely affect protein function. In summary, the available evidence is currently insufficient to determine the role of this variant in disease. Therefore, it has been classified as a Variant of Uncertain Significance.

Mayo Clinic Laboratories, Mayo Clinic
Classification: Uncertain significance. Last evaluated: 2021-09-14. Review status: criteria provided, single submitter. Criteria: ACMG Guidelines, 2015. Collection method: clinical testing. Allele origin: germline.

Athena Diagnostics
Classification: Uncertain significance. Last evaluated: 2017-04-28. Review status: criteria provided, single submitter. Criteria: Athena Diagnostics Criteria. Collection method: clinical testing. Allele origin: germline.

NM_015346.4(ZFYVE26):c.443G>A (p.Arg148His)

Gene: ZFYVE26 (zinc finger FYVE-type containing 26; minus strand). Cytogenetic location: 14q24.1.
Variant type: single nucleotide variant.
Coding change: c.443G>A on transcript NM_015346.4 (MANE Select); coding-DNA position 443, G replaced by A.
Protein change: p.Arg148His; replaces arginine 148 with histidine.
Molecular consequence: missense variant.
Genome position (GRCh38, 1-based): chr14:67,807,841, C>T on the plus strand (G>A on the coding strand, the complement: ZFYVE26 is on the minus strand). VCF-style: chr14-67807841-C-T. GRCh37 (hg19) VCF-style: chr14-68274558-C-T.
Other names: short protein forms R148H.
Identifiers: ClinVar variation 448891 (VCV000448891.9), dbSNP rs144919978, ClinGen allele CA7240784.
Genomic context (GRCh38, chr14:67,807,841, plus strand): 5'-GCTGGCTGGGGAGACTGCCTCAGGAGATCCCAGAGCACAGAGACAGCTTCGGAGCTGAGA[C>T]GAGGAGTCCAGCTCTCCCTCCTTGGATTTCCGTCAGGCACGTGGCCTACTGCACCCTGTG-3'
Protein context (NP_056161.2, residues 138-158): GNPRRESWTP[Arg148His]LSSEAVSVLW